The following is an entry in ClinVar:

ClinVar aggregate classification (germline): Uncertain significance. Review status: criteria provided, multiple submitters, no conflicts (2 of 4 stars). 2 submissions from 2 submitters: Uncertain significance (2). Last evaluated 2026-02-01.

Conditions:
Wolcott-Rallison dysplasia. Also called: Wolcott-Rallison syndrome; MED-IDDM SYNDROME. Identifiers: Orphanet 1667, MedGen C0432217, MONDO:0009192, OMIM 226980.

Allele frequency attached by ClinVar (database versions not stated): gnomAD 0.00004; ExAC 0.00013; 1000 Genomes Project 30x 0.00016; 1000 Genomes Project 0.00020.
gnomAD v4.1: 94 of 1,614,046 alleles (0.0058%); highest among the groups gnomAD compares: South Asian, 0.1%; 2 homozygotes.

Submissions (2):

Labcorp Genetics (formerly Invitae), Labcorp
Classification: Uncertain significance. Last evaluated: 2026-02-01. Review status: criteria provided, single submitter. Criteria: Invitae Variant Classification Sherloc (09022015). Collection method: clinical testing. Allele origin: germline.
Comment: This sequence change replaces leucine, which is neutral and non-polar, with valine, which is neutral and non-polar, at codon 631 of the EIF2AK3 protein (p.Leu631Val). This variant is present in population databases (rs540704378, gnomAD 0.09%). This variant has not been reported in the literature in individuals affected with EIF2AK3-related conditions. ClinVar contains an entry for this variant (Variation ID: 1443323). An algorithm developed to predict the effect of missense changes on protein structure and function (PolyPhen-2) suggests that this variant is likely to be tolerated. In summary, the available evidence is currently insufficient to determine the role of this variant in disease. Therefore, it has been classified as a Variant of Uncertain Significance.

Fulgent Genetics
Classification: Uncertain significance for Wolcott-Rallison dysplasia. Last evaluated: 2024-06-04. Review status: criteria provided, single submitter. Criteria: ACMG Guidelines, 2015. Collection method: clinical testing. Allele origin: germline.

NM_004836.7(EIF2AK3):c.1891T>G (p.Leu631Val)

Gene: EIF2AK3 (eukaryotic translation initiation factor 2 alpha kinase 3; minus strand). Cytogenetic location: 2p11.2.
Variant type: single nucleotide variant.
Coding change: c.1891T>G on transcript NM_004836.7 (MANE Select); coding-DNA position 1891, T replaced by G.
Protein change: p.Leu631Val; replaces leucine 631 with valine.
Molecular consequence: missense variant.
Genome position (GRCh38, 1-based): chr2:88,576,699, A>C on the plus strand (T>G on the coding strand, the complement: EIF2AK3 is on the minus strand). VCF-style: chr2-88576699-A-C. GRCh37 (hg19) VCF-style: chr2-88876217-A-C.
Other names: c.1438T>G, p.Leu480Val (NM_001313915.2); short protein forms L480V, L631V.
Identifiers: ClinVar variation 1443323 (VCV001443323.7), dbSNP rs540704378, ClinGen allele CA1754557.
Genomic context (GRCh38, chr2:88,576,699, plus strand): 5'-TGCCCGGGTGTTCAAGCTTGGCTAAGGCTTTAACTTCTCGCATTACCTTTTCCCGAGCCA[A>C]TTCCCTGAAAGAGAGAAAATATTTAAGGTGATGGATATTCCAATTACACTGATTTGATCT-3'
Protein context (NP_004827.4, residues 621-641): IKRIRLPNRE[Leu631Val]AREKVMREVK